The following is an entry in ClinVar:

NM_004870.4(MPDU1):c.310G>T (p.Gly104Cys)

Gene: MPDU1 (mannose-P-dolichol utilization defect 1; plus strand). Cytogenetic location: 17p13.1.
Variant type: single nucleotide variant.
Coding change: c.310G>T on transcript NM_004870.4 (MANE Select); coding-DNA position 310, G replaced by T.
Protein change: p.Gly104Cys; replaces glycine 104 with cysteine.
Molecular consequence: missense variant. On other transcripts: non-coding transcript variant (1).
Genome position (GRCh38, 1-based): chr17:7,586,699, G>T. VCF-style: chr17-7586699-G-T. GRCh37 (hg19) VCF-style: chr17-7490017-G-T.
Other names: c.310G>T, p.Gly104Cys (NM_001330073.1); short protein forms G104C.
Identifiers: ClinVar variation 4976880 (VCV004976880.1).

ClinVar aggregate classification (germline): Uncertain significance (1 of 4 stars; one submission).

Conditions:
Fetal anomalies with a likely genetic cause.

gnomAD v4.1: 1 of 1,614,086 alleles (0.000062%); highest among the groups gnomAD compares: South Asian, 0.0011%; no homozygotes.

Submission:

Genetics Laboratory, Great Ormond Street Hospital NHS Foundation Trust, North Thames Genomic Laboratory Hub
Classification: Uncertain significance for Fetal anomalies with a likely genetic cause. Last evaluated: 2026-07-28. Review status: criteria provided, single submitter. Criteria: ACGS Best Practice Guidelines for Variant Classification in Rare Disease 2024 v1.2. Collection method: clinical testing. Allele origin: germline. Affected: yes.
Comment: PM2_moderate, PP3_supporting, PM5_supporting, PM3_supporting